The following is an entry in ClinVar:

NM_000169.3(GLA):c.257A>T (p.Tyr86Phe)

Genes: GLA (galactosidase alpha; minus strand), RPL36A-HNRNPH2 (RPL36A-HNRNPH2 readthrough; plus strand). Cytogenetic location: Xq22.1.
Variant type: single nucleotide variant.
Coding change: c.257A>T on transcript NM_000169.3 (MANE Select); coding-DNA position 257, A replaced by T.
Protein change: p.Tyr86Phe; replaces tyrosine 86 with phenylalanine.
Molecular consequence: missense variant. On other transcripts: non-coding transcript variant (3), intron variant (2).
Genome position (GRCh38, 1-based): chrX:101,403,923, T>A on the plus strand (A>T on the coding strand, the complement: GLA is on the minus strand). VCF-style: chrX-101403923-T-A. GRCh37 (hg19) VCF-style: chrX-100658911-T-A.
Other names: c.380A>T, p.Tyr127Phe (NM_001406747.1, NM_001406749.1); c.257A>T, p.Tyr86Phe (NM_001406748.1); c.301-8013T>A (NM_001199973.2); c.178-8013T>A (NM_001199974.2); short protein forms Y127F, Y86F.
Identifiers: ClinVar variation 4087316 (VCV004087316.2).

ClinVar aggregate classification (germline): Uncertain significance (1 of 4 stars; one submission).

Conditions:
Fabry disease. Also called: ALPHA-GALACTOSIDASE A DEFICIENCY; ANDERSON-FABRY DISEASE; CERAMIDE TRIHEXOSIDASE DEFICIENCY; GLA DEFICIENCY; HEREDITARY DYSTOPIC LIPIDOSIS; Angiokeratoma corporis diffusum. Identifiers: Orphanet 324, MedGen C0002986, MONDO:0010526, OMIM 301500, HP:0001071. Disease mechanism: Fabry disease is due to inactivating mutations in the X-linked GLA gene resulting in deficiency of the enzyme Alpha Galactosidase-A., loss of function.

Submission:

Genomenon, Inc
Classification: Uncertain significance for Fabry disease. Last evaluated: 2026-09-08. Review status: criteria provided, single submitter. Criteria: Genomenon Sequence Variant Interpretation Standards - Updated. Collection method: curation. Allele origin: germline. Affected: no.
Comment: GLA p.Tyr86Phe (c.257A>T) is a missense variant that changes the amino acid at codon 86 from Tyrosine to Phenylalanine. This variant has been reported in the published literature (PMID:34906154). This variant is located in a mutational hotspot and/or important functional domain. It is absent or not present at a significant frequency in gnomAD. In silico models predict that this variant is possibly or probably damaging. In conclusion, we classify GLA p.Tyr86Phe (c.257A>T) as a variant of uncertain significance.

Literature cited by the submitters: PubMed 34906154.